The following is an entry in ClinVar:

ClinVar aggregate classification (germline): Uncertain significance. Review status: criteria provided, multiple submitters, no conflicts (2 of 4 stars). 2 submissions from 2 submitters: Uncertain significance (2). Last evaluated 2025-11-24.

Conditions:
Cardiovascular phenotype. Identifiers: MedGen CN230736.
Hereditary cancer-predisposing syndrome. Also called: Tumor predisposition; Neoplastic Syndromes, Hereditary; Hereditary Cancer Syndrome; Hereditary neoplastic syndrome. Identifiers: Orphanet 140162, MedGen C0027672, MeSH D009386, MONDO:0015356.
Neurofibromatosis, type 1 (NF1). Also called: NEUROFIBROMATOSIS, TYPE I, SOMATIC; Neurofibromatosis, type I; VON RECKLINGHAUSEN DISEASE; Peripheral type neurofibromatosis. Identifiers: Orphanet 636, MedGen C0027831, MONDO:0018975, OMIM 162200. Disease mechanism: loss of function.

Allele frequency attached by ClinVar (database versions not stated): TOPMed below 0.00001.

Submissions (2):

Ambry Genetics
Classification: Uncertain significance for Cardiovascular phenotype; Hereditary cancer-predisposing syndrome. Last evaluated: 2025-11-24. Review status: criteria provided, single submitter. Criteria: Ambry Variant Classification Scheme 2023. Collection method: clinical testing. Allele origin: germline.
Comment: The p.F2069L variant (also known as c.6205T>C), located in coding exon 41 of the NF1 gene, results from a T to C substitution at nucleotide position 6205. The phenylalanine at codon 2069 is replaced by leucine, an amino acid with highly similar properties. This amino acid position is highly conserved in available vertebrate species. In addition, this alteration is predicted to be deleterious by in silico analysis. Since supporting evidence is limited at this time, the clinical significance of this alteration remains unclear.

Labcorp Genetics (formerly Invitae), Labcorp
Classification: Uncertain significance for Neurofibromatosis, type 1. Last evaluated: 2025-01-14. Review status: criteria provided, single submitter. Criteria: Invitae Variant Classification Sherloc (09022015). Collection method: clinical testing. Allele origin: germline.
Comment: This sequence change replaces phenylalanine, which is neutral and non-polar, with leucine, which is neutral and non-polar, at codon 2069 of the NF1 protein (p.Phe2069Leu). This variant is not present in population databases (gnomAD no frequency). This variant has not been reported in the literature in individuals affected with NF1-related conditions. ClinVar contains an entry for this variant (Variation ID: 1059001). Invitae Evidence Modeling of protein sequence and biophysical properties (such as structural, functional, and spatial information, amino acid conservation, physicochemical variation, residue mobility, and thermodynamic stability) indicates that this missense variant is expected to disrupt NF1 protein function with a positive predictive value of 95%. In summary, the available evidence is currently insufficient to determine the role of this variant in disease. Therefore, it has been classified as a Variant of Uncertain Significance.

NM_001042492.3(NF1):c.6268T>C (p.Phe2090Leu)

Gene: NF1 (neurofibromin 1; plus strand). Cytogenetic location: 17q11.2.
Variant type: single nucleotide variant.
Coding change: c.6268T>C on transcript NM_001042492.3 (MANE Select); coding-DNA position 6268, T replaced by C.
Protein change: p.Phe2090Leu; replaces phenylalanine 2090 with leucine.
Molecular consequence: missense variant.
Genome position (GRCh38, 1-based): chr17:31,336,755, T>C. VCF-style: chr17-31336755-T-C. GRCh37 (hg19) VCF-style: chr17-29663773-T-C.
Other names: c.6205T>C, p.Phe2069Leu (NM_000267.4); short protein forms F2069L, F2090L.
Identifiers: ClinVar variation 1059001 (VCV001059001.8), dbSNP rs2069685496, ClinGen allele CA399012169.